The following is an entry in ClinVar:

ClinVar aggregate classification (germline): Uncertain significance. Review status: criteria provided, multiple submitters, no conflicts (2 of 4 stars). 2 submissions from 2 submitters: Uncertain significance (2). Last evaluated 2024-06-26.

Conditions:
Accelerated tumor formation, susceptibility to (ACTFS). Identifiers: MedGen C3280690, OMIM 614401, MONDO:0013733.

Allele frequency attached by ClinVar (database versions not stated): gnomAD exomes 0.00001 and 0.00002; ExAC 0.00002; gnomAD 0.00002 and 0.00003; TOPMed 0.00005; ESP Exome Variant Server 0.00025.
gnomAD v4.1: 12 of 1,609,318 alleles (0.00075%); highest among the groups gnomAD compares: African/African-American, 0.015%; no homozygotes.

Submissions (2):

Ambry Genetics
Classification: Uncertain significance. Last evaluated: 2024-06-26. Review status: criteria provided, single submitter. Criteria: Ambry Variant Classification Scheme 2023. Collection method: clinical testing. Allele origin: germline.

Labcorp Genetics (formerly Invitae), Labcorp
Classification: Uncertain significance for Accelerated tumor formation, susceptibility to. Last evaluated: 2020-11-22. Review status: criteria provided, single submitter. Criteria: Invitae Variant Classification Sherloc (09022015). Collection method: clinical testing. Allele origin: germline.
Comment: In summary, the available evidence is currently insufficient to determine the role of this variant in disease. Therefore, it has been classified as a Variant of Uncertain Significance. Algorithms developed to predict the effect of missense changes on protein structure and function are either unavailable or do not agree on the potential impact of this missense change (SIFT: "Tolerated"; PolyPhen-2: "Probably Damaging"; Align-GVGD: "Class C0"). This variant has not been reported in the literature in individuals with MDM2-related conditions. This variant is present in population databases (rs371801914, ExAC 0.02%). This sequence change replaces glutamic acid with alanine at codon 273 of the MDM2 protein (p.Glu273Ala). The glutamic acid residue is moderately conserved and there is a moderate physicochemical difference between glutamic acid and alanine.

NM_002392.6(MDM2):c.818A>C (p.Glu273Ala)

Gene: MDM2 (MDM2 proto-oncogene; plus strand). Cytogenetic location: 12q15.
Variant type: single nucleotide variant.
Coding change: c.818A>C on transcript NM_002392.6 (MANE Select); coding-DNA position 818, A replaced by C.
Protein change: p.Glu273Ala; replaces glutamic acid 273 with alanine.
Molecular consequence: missense variant. On other transcripts: intron variant (1).
Genome position (GRCh38, 1-based): chr12:68,835,962, A>C. VCF-style: chr12-68835962-A-C. GRCh37 (hg19) VCF-style: chr12-69229742-A-C.
Other names: c.653A>C, p.Glu218Ala (NM_001145339.2); c.290A>C, p.Glu97Ala (NM_001145340.3, NM_001278462.2); c.800A>C, p.Glu267Ala (NM_001367990.1); c.681+119A>C (NM_001145337.3); c.818A>C (NM_002392.3); short protein forms E267A, E273A, E218A, E97A.
Identifiers: ClinVar variation 1504296 (VCV001504296.9), dbSNP rs371801914, ClinGen allele CA6678768.
Genomic context (GRCh38, chr12:68,835,962, plus strand): 5'-TAGAATTTGAAGTTGAATCTCTCGACTCAGAAGATTATAGCCTTAGTGAAGAAGGACAAG[A>C]ACTCTCAGATGAAGATGATGAGGTAGTATTTTTTTTCCCCTCTAATTATATTGGAAAATT-3'
Protein context (NP_002383.2, residues 263-283): EDYSLSEEGQ[Glu273Ala]LSDEDDEVYQ